The following is an entry in ClinVar:

NM_032043.3(BRIP1):c.3245C>A (p.Thr1082Asn)

Gene: BRIP1 (BRCA1 interacting DNA helicase 1; minus strand). Cytogenetic location: 17q23.2.
Variant type: single nucleotide variant.
Coding change: c.3245C>A on transcript NM_032043.3 (MANE Select); coding-DNA position 3245, C replaced by A.
Protein change: p.Thr1082Asn; replaces threonine 1082 with asparagine.
Molecular consequence: missense variant.
Genome position (GRCh38, 1-based): chr17:61,683,801, G>T on the plus strand (C>A on the coding strand, the complement: BRIP1 is on the minus strand). VCF-style: chr17-61683801-G-T. GRCh37 (hg19) VCF-style: chr17-59761162-G-T.
Other names: short protein forms T1082N.
Identifiers: ClinVar variation 1021839 (VCV001021839.13), dbSNP rs1603275338, ClinGen allele CA400479146.

ClinVar aggregate classification (germline): Uncertain significance. Review status: criteria provided, multiple submitters, no conflicts (2 of 4 stars). 3 submissions from 3 submitters: Uncertain significance (3). Last evaluated 2025-07-09.

Conditions:
Fanconi anemia complementation group J. Also called: BRIP1-Related Fanconi Anemia. Identifiers: Orphanet 84, MedGen C1836860, MONDO:0012187, OMIM 609054.
Familial cancer of breast. Also called: BREAST CANCER, FAMILIAL; hereditary breast carcinoma; Hereditary breast cancer. Identifiers: Orphanet 227535, MedGen C0346153, MONDO:0016419, OMIM 114480. Disease mechanism: loss of function.
Hereditary cancer-predisposing syndrome. Also called: Hereditary neoplastic syndrome; Neoplastic Syndromes, Hereditary; Tumor predisposition; Hereditary Cancer Syndrome. Identifiers: Orphanet 140162, MedGen C0027672, MeSH D009386, MONDO:0015356.

Submissions (3):

Labcorp Genetics (formerly Invitae), Labcorp
Classification: Uncertain significance for Familial cancer of breast; Fanconi anemia complementation group J. Last evaluated: 2025-07-09. Review status: criteria provided, single submitter. Criteria: Invitae Variant Classification Sherloc (09022015). Collection method: clinical testing. Allele origin: germline.
Comment: This sequence change replaces threonine, which is neutral and polar, with asparagine, which is neutral and polar, at codon 1082 of the BRIP1 protein (p.Thr1082Asn). This variant is not present in population databases (gnomAD no frequency). This variant has not been reported in the literature in individuals affected with BRIP1-related conditions. ClinVar contains an entry for this variant (Variation ID: 1021839). Invitae Evidence Modeling of protein sequence and biophysical properties (such as structural, functional, and spatial information, amino acid conservation, physicochemical variation, residue mobility, and thermodynamic stability) indicates that this missense variant is not expected to disrupt BRIP1 protein function with a negative predictive value of 95%. In summary, the available evidence is currently insufficient to determine the role of this variant in disease. Therefore, it has been classified as a Variant of Uncertain Significance.

Ambry Genetics
Classification: Uncertain significance for Hereditary cancer-predisposing syndrome. Last evaluated: 2025-06-08. Review status: criteria provided, single submitter. Criteria: Ambry Variant Classification Scheme 2023. Collection method: clinical testing. Allele origin: germline.
Comment: The p.T1082N variant (also known as c.3245C>A), located in coding exon 19 of the BRIP1 gene, results from a C to A substitution at nucleotide position 3245. The threonine at codon 1082 is replaced by asparagine, an amino acid with similar properties. This amino acid position is not well conserved in available vertebrate species. In addition, this alteration is predicted to be tolerated by in silico analysis. Since supporting evidence is limited at this time, the clinical significance of this alteration remains unclear.

GeneDx
Classification: Uncertain significance. Last evaluated: 2023-02-02. Review status: criteria provided, single submitter. Criteria: GeneDx Variant Classification Process June 2021. Collection method: clinical testing. Allele origin: germline. Affected: yes.
Comment: Not observed at significant frequency in large population cohorts (gnomAD); In silico analysis supports that this missense variant does not alter protein structure/function; Has not been previously published as pathogenic or benign to our knowledge